The following is an entry in ClinVar:

NC_000017.10:g.(?_11757300)_(11757765_?)del

Gene: DNAH9 (dynein axonemal heavy chain 9; plus strand). Cytogenetic location: 17p12.
Variant type: Deletion.
Identifiers: ClinVar variation 2424147 (VCV002424147.4).

ClinVar aggregate classification (germline): Uncertain significance (1 of 4 stars; one submission).

Submission:

Labcorp Genetics (formerly Invitae), Labcorp
Classification: Uncertain significance. Last evaluated: 2022-09-23. Review status: criteria provided, single submitter. Criteria: Invitae Variant Classification Sherloc (09022015). Collection method: clinical testing. Allele origin: germline.
Comment: In summary, the available evidence is currently insufficient to determine the role of this variant in disease. Therefore, it has been classified as a Variant of Uncertain Significance. Experimental studies and prediction algorithms are not available or were not evaluated, and the functional significance of this variant is currently unknown. This variant has not been reported in the literature in individuals affected with DNAH9-related conditions. This variant is a gross deletion of the genomic region encompassing exon(s) 50 of the DNAH9 gene. This variant would be expected to be in-frame, preserving the integrity of the reading frame.